The following is an entry in ClinVar:

NM_030930.4(UNC93B1):c.1089G>A (p.Leu363=)

Gene: UNC93B1 (unc-93B1 regulator of TLR signaling; minus strand). Cytogenetic location: 11q13.2.
Variant type: single nucleotide variant.
Coding change: c.1089G>A on transcript NM_030930.4 (MANE Select); coding-DNA position 1089, G replaced by A.
Protein change: p.Leu363=; no amino-acid change (leucine 363 retained).
Molecular consequence: synonymous variant.
Genome position (GRCh38, 1-based): chr11:67,996,602, C>T on the plus strand (G>A on the coding strand, the complement: UNC93B1 is on the minus strand). VCF-style: chr11-67996602-C-T. GRCh37 (hg19) VCF-style: chr11-67764073-C-T.
Identifiers: ClinVar variation 1961074 (VCV001961074.5), dbSNP rs2495482131, ClinGen allele CA475447514.

ClinVar aggregate classification (germline): Uncertain significance (1 of 4 stars; one submission).

Conditions:
Encephalopathy, acute, infection-induced (herpes-specific), susceptibility to, 1. Also called: Herpes simplex encephalitis, susceptibility to, 1. Identifiers: Orphanet 1930, MedGen C2750180, MONDO:0024563, OMIM 610551.

Submission:

Labcorp Genetics (formerly Invitae), Labcorp
Classification: Uncertain significance for Encephalopathy, acute, infection-induced (herpes-specific), susceptibility to, 1. Last evaluated: 2024-11-18. Review status: criteria provided, single submitter. Criteria: Invitae Variant Classification Sherloc (09022015). Collection method: clinical testing. Allele origin: germline.
Comment: This sequence change affects codon 363 of the UNC93B1 mRNA. It is a 'silent' change, meaning that it does not change the encoded amino acid sequence of the UNC93B1 protein. It affects a nucleotide within the consensus splice site. This variant is not present in population databases (gnomAD no frequency). This variant has not been reported in the literature in individuals affected with UNC93B1-related conditions. ClinVar contains an entry for this variant (Variation ID: 1961074). Algorithms developed to predict the effect of sequence changes on RNA splicing suggest that this variant may disrupt the consensus splice site. In summary, the available evidence is currently insufficient to determine the role of this variant in disease. Therefore, it has been classified as a Variant of Uncertain Significance.